The following is an entry in ClinVar:

ClinVar aggregate classification (germline): Uncertain significance (1 of 4 stars; one submission).

gnomAD v4.1: 1 of 1,614,064 alleles (0.000062%); highest among the groups gnomAD compares: Non-Finnish European, 0.000085%; no homozygotes.

Submission:

Labcorp Genetics (formerly Invitae), Labcorp
Classification: Uncertain significance. Last evaluated: 2024-04-08. Review status: criteria provided, single submitter. Criteria: Invitae Variant Classification Sherloc (09022015). Collection method: clinical testing. Allele origin: germline.
Comment: This sequence change replaces tyrosine, which is neutral and polar, with phenylalanine, which is neutral and non-polar, at codon 1967 of the SZT2 protein (p.Tyr1967Phe). This variant is not present in population databases (gnomAD no frequency). This variant has not been reported in the literature in individuals affected with SZT2-related conditions. ClinVar contains an entry for this variant (Variation ID: 834787). Advanced modeling of protein sequence and biophysical properties (such as structural, functional, and spatial information, amino acid conservation, physicochemical variation, residue mobility, and thermodynamic stability) performed at Invitae indicates that this missense variant is expected to disrupt SZT2 protein function with a positive predictive value of 80%. In summary, the available evidence is currently insufficient to determine the role of this variant in disease. Therefore, it has been classified as a Variant of Uncertain Significance.

NM_001365999.1(SZT2):c.6071A>T (p.Tyr2024Phe)

Gene: SZT2 (SZT2 subunit of KICSTOR complex; plus strand). Cytogenetic location: 1p34.2.
Variant type: single nucleotide variant.
Coding change: c.6071A>T on transcript NM_001365999.1 (MANE Select); coding-DNA position 6071, A replaced by T.
Protein change: p.Tyr2024Phe; replaces tyrosine 2024 with phenylalanine.
Molecular consequence: missense variant.
Genome position (GRCh38, 1-based): chr1:43,437,207, A>T. VCF-style: chr1-43437207-A-T. GRCh37 (hg19) VCF-style: chr1-43902878-A-T.
Other names: c.5900A>T, p.Tyr1967Phe (NM_015284.4); short protein forms Y1967F, Y2024F.
Identifiers: ClinVar variation 834787 (VCV000834787.9), dbSNP rs1570694932, ClinGen allele CA340028090.